The following is an entry in ClinVar:

NM_001429.4(EP300):c.276C>T (p.Asn92=)

Gene: EP300 (EP300 lysine acetyltransferase; plus strand). Cytogenetic location: 22q13.2.
Variant type: single nucleotide variant.
Coding change: c.276C>T on transcript NM_001429.4 (MANE Select); coding-DNA position 276, C replaced by T.
Protein change: p.Asn92=; no amino-acid change (asparagine 92 retained).
Molecular consequence: synonymous variant.
Genome position (GRCh38, 1-based): chr22:41,117,368, C>T. VCF-style: chr22-41117368-C-T. GRCh37 (hg19) VCF-style: chr22-41513372-C-T.
Other names: c.276C>T, p.Asn92= (NM_001362843.2).
Identifiers: ClinVar variation 5040304 (VCV005040304.1).

ClinVar aggregate classification (germline): Likely benign (1 of 4 stars; one submission).

gnomAD v4.1: 15 of 1,614,054 alleles (0.00093%); highest among the groups gnomAD compares: South Asian, 0.016%; no homozygotes.

Submission:

CeGaT Center for Human Genetics Tuebingen
Classification: Likely benign. Last evaluated: 2026-07-01. Review status: criteria provided, single submitter. Criteria: CeGaT Center For Human Genetics Tuebingen Variant Classification Criteria Version 2. Collection method: clinical testing. Allele origin: germline. Affected: yes. Observed: 1 variant allele.
Comment: EP300: BP4, BP7